The following is an entry in ClinVar:

NM_005032.7(PLS3):c.696G>A (p.Trp232Ter)

Gene: PLS3 (plastin 3; plus strand). Cytogenetic location: Xq23.
Variant type: single nucleotide variant.
Coding change: c.696G>A on transcript NM_005032.7 (MANE Select); coding-DNA position 696, G replaced by A.
Protein change: p.Trp232Ter; replaces tryptophan 232 with a stop codon.
Molecular consequence: nonsense.
Genome position (GRCh38, 1-based): chrX:115,634,994, G>A. VCF-style: chrX-115634994-G-A. GRCh37 (hg19) VCF-style: chrX-114869306-G-A.
Other names: c.696G>A, p.Trp232Ter (NM_001136025.5); c.615G>A, p.Trp205Ter (NM_001172335.3); c.630G>A, p.Trp210Ter (NM_001282337.2); c.561G>A, p.Trp187Ter (NM_001282338.2); short protein forms W187*, W205*, W210*, W232*.
Identifiers: ClinVar variation 3254618 (VCV003254618.2), dbSNP rs2521452967.
Genomic context (GRCh38, chrX:115,634,994, plus strand): 5'-GAACATTGGTGCAGAAGATTTGAGGGCTGGGAAACCTCATCTGGTTTTGGGACTGCTTTG[G>A]CAGATCATTAAGATCGGTTTGTTCGCTGACATTGAATTAAGCAGGAATGAAGGTAATGGA-3'

ClinVar aggregate classification (germline): Pathogenic (1 of 4 stars; one submission).

Conditions:
Bone mineral density quantitative trait locus 18 (BMND18). Also called: OSTEOPOROSIS AND OSTEOPOROTIC FRACTURES, SUSCEPTIBILITY TO; Bone mineral density QTL18, osteoporosis. Identifiers: Orphanet 391330, MedGen C3806712, OMIM 300910.

Submission:

Victorian Clinical Genetics Services, Murdoch Childrens Research Institute
Classification: Pathogenic for Bone mineral density quantitative trait locus 18. Last evaluated: 2023-07-17. Review status: criteria provided, single submitter. Criteria: ACMG Guidelines, 2015. Collection method: clinical testing. Allele origin: germline. Inheritance: X-linked inheritance.
Comment: Based on the classification scheme VCGS_Germline_v1.3.4, this variant is classified as Pathogenic. Following criteria are met: 0102 - Loss of function is a known mechanism of disease in this gene and is associated with bone mineral density QTL18, osteoporosis (MIM#300910). (I) 0110 - This gene is associated with X-linked disease. Carrier females have been reported as mildly affected or unaffected (PMIDs: 24088043, 34023917). (I) 0201 - Variant is predicted to cause nonsense-mediated decay (NMD) and loss of protein (premature termination codon is located at least 54 nucleotides upstream of the final exon-exon junction). (SP) 0253 - This variant is hemizygous. (I) 0301 - Variant is absent from gnomAD (both v2 and v3). (SP) 0701 - Other NMD predicted variants comparable to the one identified in this case have very strong previous evidence for pathogenicity (DECIPHER; PMID: 34023917). (SP) 0807 - This variant has no previous evidence of pathogenicity. (I) 0905 - No published segregation evidence has been identified for this variant. (I) 1007 - No published functional evidence has been identified for this variant. (I) Legend: (SP) - Supporting pathogenic, (I) - Information, (SB) - Supporting benign

Literature cited by the submitters: PubMed 24088043; PubMed 34023917.